The following is an entry in ClinVar:

NM_001127222.2(CACNA1A):c.3656C>T (p.Pro1219Leu)

Gene: CACNA1A (calcium voltage-gated channel subunit alpha1 A; minus strand). Cytogenetic location: 19p13.13.
Variant type: single nucleotide variant.
Coding change: c.3656C>T on transcript NM_001127222.2 (MANE Select); coding-DNA position 3656, C replaced by T.
Protein change: p.Pro1219Leu; replaces proline 1219 with leucine.
Molecular consequence: missense variant.
Genome position (GRCh38, 1-based): chr19:13,285,104, G>A on the plus strand (C>T on the coding strand, the complement: CACNA1A is on the minus strand). VCF-style: chr19-13285104-G-A. GRCh37 (hg19) VCF-style: chr19-13395918-G-A.
Other names: c.3668C>T, p.Pro1223Leu (NM_000068.4, NM_023035.3); c.3659C>T, p.Pro1220Leu (NM_001127221.2, NM_001174080.2); short protein forms P1220L, P1219L, P1223L.
Identifiers: ClinVar variation 393193 (VCV000393193.10), dbSNP rs573365997, ClinGen allele CA9240242.

ClinVar aggregate classification (germline): Uncertain significance. Review status: criteria provided, multiple submitters, no conflicts (2 of 4 stars). 3 submissions from 3 submitters: Uncertain significance (3). Last evaluated 2025-01-30.

Conditions:
Inborn genetic diseases. Identifiers: MedGen C0950123, MeSH D030342.
Episodic ataxia type 2 (EA2). Also called: ATAXIA, EPISODIC, WITH NYSTAGMUS; ATAXIA, FAMILIAL PAROXYSMAL; CEREBELLAR ATAXIA, PAROXYSMAL, ACETAZOLAMIDE-RESPONSIVE; CEREBELLOPATHY, HEREDITARY PAROXYSMAL; ACETAZOLAMIDE-RESPONSIVE HEREDITARY PAROXYSMAL CEREBELLAR ATAXIA; EPISODIC ATAXIA, NYSTAGMUS-ASSOCIATED. Identifiers: Orphanet 97, MedGen C1720416, MONDO:0007163, OMIM 108500.
Developmental and epileptic encephalopathy, 42 (DEE42A). Also called: DEVELOPMENTAL AND EPILEPTIC ENCEPHALOPATHY 42A; EPILEPTIC ENCEPHALOPATHY, EARLY INFANTILE, 42A; Epileptic encephalopathy, early infantile, 42. Identifiers: MedGen C4310716, MONDO:0014917, OMIM 617106.

Allele frequency attached by ClinVar (database versions not stated): gnomAD exomes below 0.00001 and 0.00001; ExAC 0.00001; gnomAD 0.00001; TOPMed 0.00004; 1000 Genomes Project 0.00020; 1000 Genomes Project 30x 0.00031.
gnomAD v4.1: 4 of 1,613,988 alleles (0.00025%); highest among the groups gnomAD compares: Admixed American, 0.005%; no homozygotes.

Submissions (3):

Labcorp Genetics (formerly Invitae), Labcorp
Classification: Uncertain significance for Developmental and epileptic encephalopathy, 42; Episodic ataxia type 2. Last evaluated: 2025-01-30. Review status: criteria provided, single submitter. Criteria: Invitae Variant Classification Sherloc (09022015). Collection method: clinical testing. Allele origin: germline.
Comment: This sequence change replaces proline, which is neutral and non-polar, with leucine, which is neutral and non-polar, at codon 1220 of the CACNA1A protein (p.Pro1220Leu). This variant is present in population databases (rs573365997, gnomAD 0.007%). This variant has not been reported in the literature in individuals affected with CACNA1A-related conditions. ClinVar contains an entry for this variant (Variation ID: 393193). Invitae Evidence Modeling of protein sequence and biophysical properties (such as structural, functional, and spatial information, amino acid conservation, physicochemical variation, residue mobility, and thermodynamic stability) has been performed for this missense variant. However, the output from this modeling did not meet the statistical confidence thresholds required to predict the impact of this variant on CACNA1A protein function. In summary, the available evidence is currently insufficient to determine the role of this variant in disease. Therefore, it has been classified as a Variant of Uncertain Significance.

Ambry Genetics
Classification: Uncertain significance for Inborn genetic diseases. Last evaluated: 2024-10-21. Review status: criteria provided, single submitter. Criteria: Ambry Variant Classification Scheme 2023. Collection method: clinical testing. Allele origin: germline.

GeneDx
Classification: Uncertain significance. Last evaluated: 2019-04-08. Review status: criteria provided, single submitter. Criteria: GeneDx Variant Classification Process June 2021. Collection method: clinical testing. Allele origin: germline. Affected: yes.
Comment: In silico analysis, which includes protein predictors and evolutionary conservation, supports a deleterious effect; Has not been previously published as pathogenic or benign to our knowledge